The following is an entry in ClinVar:

NM_000158.4(GBE1):c.153G>C (p.Gln51His)

Gene: GBE1 (1,4-alpha-glucan branching enzyme 1; minus strand). Cytogenetic location: 3p12.2.
Variant type: single nucleotide variant.
Coding change: c.153G>C on transcript NM_000158.4 (MANE Select); coding-DNA position 153, G replaced by C.
Protein change: p.Gln51His; replaces glutamine 51 with histidine.
Molecular consequence: missense variant.
Genome position (GRCh38, 1-based): chr3:81,705,604, C>G on the plus strand (G>C on the coding strand, the complement: GBE1 is on the minus strand). VCF-style: chr3-81705604-C-G. GRCh37 (hg19) VCF-style: chr3-81754755-C-G.
Other names: c.153G>C (NM_000158.3); short protein forms Q51H.
Identifiers: ClinVar variation 1418339 (VCV001418339.4), dbSNP rs760281369, ClinGen allele CA2500045.

ClinVar aggregate classification (germline): Uncertain significance. Review status: criteria provided, multiple submitters, no conflicts (2 of 4 stars). 2 submissions from 2 submitters: Uncertain significance (2). Last evaluated 2025-07-10.

Conditions:
Glycogen storage disease, type IV (GSD4). Also called: AMYLOPECTINOSIS; ANDERSEN DISEASE; BRANCHER DEFICIENCY; CIRRHOSIS, FAMILIAL, WITH DEPOSITION OF ABNORMAL GLYCOGEN; GBE1 DEFICIENCY; GLYCOGEN BRANCHING ENZYME DEFICIENCY. Identifiers: Orphanet 367, MedGen C0017923, MONDO:0009292, OMIM 232500.
Glycogen storage disease IV, classic hepatic. Also called: GSD IV, CLASSIC HEPATIC. Identifiers: MedGen C1856301.

Allele frequency attached by ClinVar (database versions not stated): TOPMed below 0.00001; gnomAD exomes 0.00001 and 0.00003; ExAC 0.00006.
gnomAD v4.1: 18 of 1,542,056 alleles (0.0012%); highest among the groups gnomAD compares: Middle Eastern, 0.084%; no homozygotes.

Submissions (2):

GeneDx
Classification: Uncertain significance. Last evaluated: 2025-07-10. Review status: criteria provided, single submitter. Criteria: GeneDx Variant Classification Process June 2021. Collection method: clinical testing. Allele origin: germline. Affected: yes.
Comment: Not observed at significant frequency in large population cohorts (gnomAD); In silico analysis suggests that this missense variant does not alter protein structure/function; Has not been previously published as pathogenic or benign to our knowledge

Labcorp Genetics (formerly Invitae), Labcorp
Classification: Uncertain significance for Glycogen storage disease, type IV; Glycogen storage disease IV, classic hepatic. Last evaluated: 2022-09-07. Review status: criteria provided, single submitter. Criteria: Invitae Variant Classification Sherloc (09022015). Collection method: clinical testing. Allele origin: germline.
Comment: This sequence change replaces glutamine, which is neutral and polar, with histidine, which is basic and polar, at codon 51 of the GBE1 protein (p.Gln51His). This variant is present in population databases (rs760281369, gnomAD 0.01%). This variant has not been reported in the literature in individuals affected with GBE1-related conditions. ClinVar contains an entry for this variant (Variation ID: 1418339). Advanced modeling of protein sequence and biophysical properties (such as structural, functional, and spatial information, amino acid conservation, physicochemical variation, residue mobility, and thermodynamic stability) performed at Invitae indicates that this missense variant is not expected to disrupt GBE1 protein function. In summary, the available evidence is currently insufficient to determine the role of this variant in disease. Therefore, it has been classified as a Variant of Uncertain Significance.